The following is an entry in ClinVar:

ClinVar aggregate classification (germline): Benign/Likely benign. Review status: criteria provided, multiple submitters, no conflicts (2 of 4 stars). 7 submissions from 7 submitters: Benign (2); Likely benign (2). 3 of the submissions do not count toward it. Last evaluated 2026-01-26.

Conditions:
MAPKBP1-related disorder. Also called: MAPKBP1-related condition.

Allele frequency attached by ClinVar (database versions not stated): 1000 Genomes Project 30x 0.00125; 1000 Genomes Project 0.00140; gnomAD 0.00277 and 0.00278; TOPMed 0.00279; gnomAD exomes 0.00315; ExAC 0.00328; ESP Exome Variant Server 0.00423.

Submissions (7):

Labcorp Genetics (formerly Invitae), Labcorp
Classification: Benign. Last evaluated: 2026-01-26. Review status: criteria provided, single submitter. Criteria: Invitae Variant Classification Sherloc (09022015). Collection method: clinical testing. Allele origin: germline.

Blueprint Genetics
Classification: Likely benign. Last evaluated: 2024-11-20. Review status: criteria provided, single submitter. Criteria: ACMG Guidelines, 2015. Collection method: clinical testing. Allele origin: germline.

CeGaT Center for Human Genetics Tuebingen
Classification: Likely benign. Last evaluated: 2023-05-01. Review status: criteria provided, single submitter. Criteria: CeGaT Center For Human Genetics Tuebingen Variant Classification Criteria Version 2. Collection method: clinical testing. Allele origin: germline. Affected: yes. Observed: 3 variant alleles.
Comment: MAPKBP1: BS2

Breakthrough Genomics
Classification: Benign. Review status: criteria provided, single submitter. Criteria: ACMG Guidelines, 2015. Collection method: not provided. Allele origin: germline. Inheritance: Autosomal recessive inheritance. Affected: yes.

PreventionGenetics, part of Exact Sciences
Classification: Likely benign for MAPKBP1-related condition. Last evaluated: 2019-10-04. Review status: no assertion criteria provided. Collection method: clinical testing. Allele origin: germline. Not counted in ClinVar's aggregate classification.
Comment: This variant is classified as likely benign based on ACMG/AMP sequence variant interpretation guidelines (Richards et al. 2015 PMID: 25741868, with internal and published modifications).

Genome Diagnostics Laboratory, University Medical Center Utrecht
Classification: Likely benign. Review status: no assertion criteria provided. Collection method: clinical testing. Allele origin: germline. Affected: yes. Study: VKGL Data-share Consensus. Not counted in ClinVar's aggregate classification.

Laboratory of Diagnostic Genome Analysis, Leiden University Medical Center (LUMC)
Classification: Likely benign. Review status: no assertion criteria provided. Collection method: clinical testing. Allele origin: germline. Affected: yes. Study: VKGL Data-share Consensus. Not counted in ClinVar's aggregate classification.

NM_014994.3(MAPKBP1):c.1156G>A (p.Val386Ile)

Gene: MAPKBP1 (mitogen-activated protein kinase binding protein 1; plus strand). Cytogenetic location: 15q15.1.
Variant type: single nucleotide variant.
Coding change: c.1156G>A on transcript NM_014994.3 (MANE Select); coding-DNA position 1156, G replaced by A.
Protein change: p.Val386Ile; replaces valine 386 with isoleucine.
Molecular consequence: missense variant. On other transcripts: non-coding transcript variant (1).
Genome position (GRCh38, 1-based): chr15:41,814,725, G>A. VCF-style: chr15-41814725-G-A. GRCh37 (hg19) VCF-style: chr15-42106923-G-A.
Other names: c.1174G>A, p.Val392Ile (NM_001128608.2); c.1156G>A, p.Val386Ile (NM_001265611.2); short protein forms V386I, V392I.
Identifiers: ClinVar variation 718036 (VCV000718036.38), dbSNP rs75869993, ClinGen allele CA7497757.